The following is an entry in ClinVar:

ClinVar aggregate classification (germline): Likely pathogenic (1 of 4 stars; one submission).

Submission:

GeneDx
Classification: Likely pathogenic. Last evaluated: 2017-10-23. Review status: criteria provided, single submitter. Criteria: GeneDx Variant Classification (06012015). Collection method: clinical testing. Allele origin: germline. Affected: yes.
Comment: The D387N variant in the PAK3 gene has not been reported previously as a pathogenic variant, nor as a benign variant, to our knowledge. The D387N variant is not observed in large population cohorts (Lek et al., 2016). The D387N variant is a semi-conservative amino acid substitution, which may impact secondary protein structure as these residues differ in some properties. This substitution occurs at a position that is conserved across species. In silico analysis predicts this variant is probably damaging to the protein structure/function. We interpret D387N as a likely pathogenic variant.

NM_002578.5(PAK3):c.1159G>A (p.Asp387Asn)

Gene: PAK3 (p21 (RAC1) activated kinase 3; plus strand). Cytogenetic location: Xq23.
Variant type: single nucleotide variant.
Coding change: c.1159G>A on transcript NM_002578.5 (MANE Select); coding-DNA position 1159, G replaced by A.
Protein change: p.Asp387Asn; replaces aspartic acid 387 with asparagine.
Molecular consequence: missense variant. On other transcripts: non-coding transcript variant (2).
Genome position (GRCh38, 1-based): chrX:111,195,890, G>A. VCF-style: chrX-111195890-G-A. GRCh37 (hg19) VCF-style: chrX-110439118-G-A.
Other names: c.1159G>A, p.Asp387Asn (NM_001128166.3, NM_001128167.3, NM_001324325.2 and 5 more transcripts); c.1267G>A, p.Asp423Asn (NM_001128168.3); c.1222G>A, p.Asp408Asn (NM_001128172.2); c.1204G>A, p.Asp402Asn (NM_001128173.3, NM_001324327.2, NM_001324328.2 and 2 more transcripts); short protein forms D387N, D402N, D408N, D423N.
Identifiers: ClinVar variation 452954 (VCV000452954.2), dbSNP rs1556298136, ClinGen allele CA414238707.
Genomic context (GRCh38, chrX:111,195,890, plus strand): 5'-CTGATTTAATAGTGCCTGCAAGCTTTGGATTTCCTGCACTCAAACCAGGTGATCCATAGA[G>A]ATATAAAGAGTGACAATATTCTTCTCGGGATGGATGGCTCTGTTAAATTGAGTAGGTATT-3'
Protein context (NP_002569.1, residues 377-397): FLHSNQVIHR[Asp387Asn]IKSDNILLGM